The following is an entry in ClinVar:

ClinVar aggregate classification (germline): Likely pathogenic (1 of 4 stars; one submission).

Conditions:
Niemann-Pick disease, type A. Also called: SPHINGOMYELIN LIPIDOSIS; SPHINGOMYELINASE DEFICIENCY; Infantile Neurovisceral ASMD (Niemann-Pick Disease Type A; NPD-A). Identifiers: Orphanet 77292, MedGen C0268242, MONDO:0009756, OMIM 257200. Disease mechanism: loss of function.

Submission:

Natera, Inc.
Classification: Likely pathogenic for Niemann-Pick Disease, Types A/B. Last evaluated: 2024-10-22. Review status: criteria provided, single submitter. Criteria: Natera Variant Classification Schema (03/2026). Collection method: clinical testing. Allele origin: germline.
Comment: The c.582_583del variant in SMPD1 is a frameshift variant predicted to shift the reading frame beginning at codon 195 and leads to a stop codon 13 codons downstream. This variant is expected to result in nonsense mediated decay, truncation, or a dysfunctional protein product. This variant is rare in the general population with a frequency below the threshold expected for the associated phenotype(s). Given the available evidence, this variant is classified as Likely Pathogenic.

NM_000543.5(SMPD1):c.582_583del (p.Ala195fs)

Gene: SMPD1 (sphingomyelin phosphodiesterase 1; plus strand). Cytogenetic location: 11p15.4.
Variant type: Deletion.
Coding change: c.582_583del on transcript NM_000543.5 (MANE Select); coding-DNA positions 582 to 583, 2 bases deleted (AG; older notation c.582_583delAG).
Protein change: p.Ala195fs; shifts the reading frame from alanine 195.
Molecular consequence: frameshift variant. On other transcripts: 5 prime UTR variant (1), non-coding transcript variant (1).
Genome position (GRCh38, 1-based): chr11:6,391,647-6,391,648, AG deleted. VCF-style (leftmost placement, unchanged base first): chr11-6391646-CAG-C. GRCh37 (hg19) VCF-style: chr11-6412876-CAG-C.
Other names: c.579_580del, p.Ala194fs (NM_001007593.3); c.582_583del, p.Ala195fs (NM_001318087.2, NM_001365135.2); c.-380_-379del (NM_001318088.2); short protein forms A194fs, A195fs.
Identifiers: ClinVar variation 4814354 (VCV004814354.1).